The following is an entry in ClinVar:

ClinVar aggregate classification (germline): Uncertain significance (1 of 4 stars; one submission).

gnomAD v4.1: 2 of 1,614,166 alleles (0.00012%); highest among the groups gnomAD compares: Admixed American, 0.0017%; no homozygotes.

Submission:

Ambry Genetics
Classification: Uncertain significance. Last evaluated: 2024-04-04. Review status: criteria provided, single submitter. Criteria: Ambry Variant Classification Scheme 2023. Collection method: clinical testing. Allele origin: germline.
Comment: The p.N628S variant (also known as c.1883A>G), located in coding exon 9 of the PALLD gene, results from an A to G substitution at nucleotide position 1883. The asparagine at codon 628 is replaced by serine, an amino acid with highly similar properties. This amino acid position is conserved. In addition, this alteration is predicted to be tolerated by in silico analysis. Based on the available evidence, the clinical significance of this variant remains unclear.

NM_001166108.2(PALLD):c.1883A>G (p.Asn628Ser)

Gene: PALLD (palladin, cytoskeletal associated protein; plus strand). Cytogenetic location: 4q32.3.
Variant type: single nucleotide variant.
Coding change: c.1883A>G on transcript NM_001166108.2 (MANE Select); coding-DNA position 1883, A replaced by G.
Protein change: p.Asn628Ser; replaces asparagine 628 with serine.
Molecular consequence: missense variant.
Genome position (GRCh38, 1-based): chr4:168,711,842, A>G. VCF-style: chr4-168711842-A-G. GRCh37 (hg19) VCF-style: chr4-169632993-A-G.
Other names: c.737A>G, p.Asn246Ser (NM_001166109.2); c.1883A>G, p.Asn628Ser (NM_016081.4); short protein forms N246S, N628S.
Identifiers: ClinVar variation 3304054 (VCV003304054.1).